The following is an entry in ClinVar:

ClinVar aggregate classification (germline): Uncertain significance (1 of 4 stars; one submission).

Conditions:
Hereditary cancer-predisposing syndrome. Also called: Neoplastic Syndromes, Hereditary; Tumor predisposition; Hereditary Cancer Syndrome; Hereditary neoplastic syndrome. Identifiers: Orphanet 140162, MedGen C0027672, MeSH D009386, MONDO:0015356.

Submission:

Ambry Genetics
Classification: Uncertain significance for Hereditary cancer-predisposing syndrome. Last evaluated: 2025-08-22. Review status: criteria provided, single submitter. Criteria: Ambry Variant Classification Scheme 2023. Collection method: clinical testing. Allele origin: germline.
Comment: The p.E157Q variant (also known as c.469G>C), located in coding exon 4 of the TSC2 gene, results from a G to C substitution at nucleotide position 469. The glutamic acid at codon 157 is replaced by glutamine, an amino acid with highly similar properties. This amino acid position is highly conserved in available vertebrate species. In addition, the in silico prediction for this alteration is inconclusive. Based on the available evidence, the clinical significance of this variant remains unclear.

NM_000548.5(TSC2):c.469G>C (p.Glu157Gln)

Gene: TSC2 (TSC complex subunit 2; plus strand). Cytogenetic location: 16p13.3.
Variant type: single nucleotide variant.
Coding change: c.469G>C on transcript NM_000548.5 (MANE Select); coding-DNA position 469, G replaced by C.
Protein change: p.Glu157Gln; replaces glutamic acid 157 with glutamine.
Molecular consequence: missense variant. On other transcripts: 5 prime UTR variant (13), non-coding transcript variant (5), intron variant (6).
Genome position (GRCh38, 1-based): chr16:2,054,428, G>C. VCF-style: chr16-2054428-G-C. GRCh37 (hg19) VCF-style: chr16-2104429-G-C.
Other names: c.469G>C, p.Glu157Gln (NM_001406664.1, NM_001406665.1, NM_001406671.1 and 8 more transcripts); c.559G>C, p.Glu187Gln (NM_001406667.1, NM_001406668.1); c.358G>C, p.Glu120Gln (NM_001406670.1, NM_001318827.2, NM_001406678.1); c.322G>C, p.Glu108Gln (NM_001406675.1, NM_001406676.1, NM_001318829.2 and 1 more transcripts); c.412G>C, p.Glu138Gln (NM_001406677.1); c.502G>C, p.Glu168Gln (NM_001318832.2); c.-348G>C (NM_001406680.1, NM_001406683.1, NM_001406687.1); c.24G>C, p.Trp8Cys (NM_001406681.1); and 6 more; short protein forms E138Q, E168Q, W8C, E108Q, E120Q, E187Q, E157Q.
Identifiers: ClinVar variation 4192118 (VCV004192118.1).